The following is an entry in ClinVar:

NM_000256.3(MYBPC3):c.1321G>A (p.Glu441Lys)

Gene: MYBPC3 (myosin binding protein C3; minus strand). Cytogenetic location: 11p11.2.
Variant type: single nucleotide variant.
Coding change: c.1321G>A on transcript NM_000256.3 (MANE Select); coding-DNA position 1321, G replaced by A.
Protein change: p.Glu441Lys; replaces glutamic acid 441 with lysine.
Molecular consequence: missense variant.
Genome position (GRCh38, 1-based): chr11:47,343,051, C>T on the plus strand (G>A on the coding strand, the complement: MYBPC3 is on the minus strand). VCF-style: chr11-47343051-C-T. GRCh37 (hg19) VCF-style: chr11-47364602-C-T.
Other names: p.E441K:GAG>AAG; short protein forms E441K.
Identifiers: ClinVar variation 36601 (VCV000036601.90), dbSNP rs193922377, ClinGen allele CA010097.

ClinVar aggregate classification (germline): Conflicting classifications of pathogenicity. Review status: criteria provided, conflicting classifications (1 of 4 stars). 26 submissions from 25 submitters: Uncertain significance (18); Likely benign (2). 6 of the submissions do not count toward it. Last evaluated 2026-03-21.

Conditions:
MYBPC3-related disorder. Also called: MYBPC3-related condition; MYBPC3-related disease; MYBPC3-related disorders.
Cardiovascular phenotype. Identifiers: MedGen CN230736.
Hypertrophic cardiomyopathy 4. Also called: Familial hypertrophic cardiomyopathy 4. Identifiers: MedGen C1861862, MONDO:0007268, OMIM 115197.
Left ventricular noncompaction 10 (LVNC10). Identifiers: Orphanet 154, Orphanet 54260, MedGen C3715165, MONDO:0014163, OMIM 615396.
Cardiomyopathy (CMYO). Also called: Cardiomyopathies. Identifiers: Orphanet 167848, MedGen C0878544, MONDO:0004994, HP:0001638. Inheritance: Various modes of inheritance.
Primary familial hypertrophic cardiomyopathy (HCM). Identifiers: Orphanet 99739, MedGen C0949658, MeSH D024741, MONDO:0024573. Inheritance: Various modes of inheritance.
Wolff-Parkinson-White pattern. Also called: Auriculoventricular accessory pathway syndrome; False bundle branch block syndrome; Anomalous ventricular excitation syndrome; WPW SYNDROME. Identifiers: MedGen C0043202, MONDO:0008685, OMIM 194200, HP:0001716.
Hypertrophic cardiomyopathy. Also called: HYPERTROPHIC MYOCARDIOPATHY. Identifiers: Orphanet 217569, MedGen C0007194, MeSH D002312, MONDO:0005045, HP:0001639.

Allele frequency attached by ClinVar (database versions not stated): gnomAD exomes 0.00011 and 0.00014; gnomAD 0.00015 and 0.00016; 1000 Genomes Project 30x 0.00016; ExAC 0.00016; 1000 Genomes Project 0.00020; TOPMed 0.00020; ESP Exome Variant Server 0.00039.
gnomAD v4.1: 197 of 1,613,118 alleles (0.012%); highest among the groups gnomAD compares: Middle Eastern, 0.31%; no homozygotes.

Submissions 1 to 8 of 26:

PreventionGenetics, part of Exact Sciences
Classification: Uncertain significance for MYBPC3-related condition. Last evaluated: 2026-03-21. Review status: criteria provided, single submitter. Criteria: ACMG Guidelines, 2015. Collection method: clinical testing. Allele origin: germline.
Comment: The MYBPC3 c.1321G>A variant is predicted to result in the amino acid substitution p.Glu441Lys. This variant was reported in individuals with hypertrophic cardiomyopathy and dilated cardiomyopathy (Coto et al. 2012. PubMed ID: 22765922; Kassem et al. 2013. PubMed ID: 23233322; Table S2, Daoud et al. 2019. PubMed ID: 30731207; Sousa et al. 2019. PubMed ID: 30871747; García-Molina et al. 2019. PubMed ID: 30972196). However, this variant was also frequently detected along with other MYBPC3 pathogenic variants, p.Glu258Lys or p.Gln76*, in affected individuals (Olivotto et al. 2008. PubMed ID: 18533079; Marsiglia et al. 2010. PubMed ID: 20414521; Millat et al. 2010. PubMed ID: 20624503; Table S1, Whiffin et al. 2017. PubMed ID: 28518168; Nijenkamp et al. 2020. PubMed ID: 32369506). At least in one family, the variant was not found in affected family members of the proband (Table 2, García-Molina et al. 2019. PubMed ID: 30972196). Functional studies showed that this variant alone or with the p.Glu258Lys could impact protein functions, with the latter manifesting a more severe phenotype (Da et al. 2018. PubMed ID: 30446606). This variant is reported in 0.038% of alleles in individuals of African descent in gnomAD. At this time, the clinical significance of this variant is uncertain due to the absence of conclusive functional and genetic evidence.

GeneDx
Classification: Uncertain significance. Last evaluated: 2025-05-07. Review status: criteria provided, single submitter. Criteria: GeneDx Variant Classification Process June 2021. Collection method: clinical testing. Allele origin: germline. Affected: yes.
Comment: Identified in patients with cardiomyopathy referred for genetic testing at GeneDx and in published literature (PMID: 18533079, 20173211, 20414521, 20624503, 22765922, 23233322, 26090888, 30871747, 30972196, 37652022, 24093860, 37431535); Observed in individuals with HCM who harbored co-occurring pathogenic cardiogenetic variants; one laboratory reports that an internal patient who also has a pathogenic MYBPC3 variant appeared to have an earlier onset of disease and a more severe presentation relative to the other patients that harbor p.(E441K) in isolation (PMID: 18533079, 20173211, 20624503, 32369506, 37431535; internal GeneDx data; ClinVar SCV000059030.5); Molecular modeling studies suggest that p.(E441K) causes conformational changes in cardiac myosin binding protein-C and interferes with normal binding/unbinding of the N-terminal complex, C1-motif-C2; however, the changes induced by p.(E441K) are less pronounced than those associated with the MYBPC3 p.(E258K) pathogenic variant (PMID: 25971843, 27267291); In silico analysis supports that this missense variant has a deleterious effect on protein structure/function; This variant is associated with the following publications: (PMID: 25971843, 20173211, 23233322, 23299917, 25637381, 22765922, 20624503, 26090888, 18533079, 27956910, 28518168, 21415409, 25524337, 27267291, 30645170, 30871747, 30731207, 30972196, 28420666, 24093860, 21835320, 20414521, 37652022, 37431535, 32369506, 30446606, 33049255, 35470680)

Molecular Diagnostic Laboratory for Inherited Cardiovascular Disease, Montreal Heart Institute
Classification: Uncertain significance for Cardiovascular phenotype. Last evaluated: 2025-04-08. Review status: criteria provided, single submitter. Criteria: ACMG Guidelines, 2015. Collection method: clinical testing. Allele origin: germline. Affected: yes.
Comment: PS3_supp, PS4_supp, BS4

Labcorp Genetics (formerly Invitae), Labcorp
Classification: Uncertain significance for Hypertrophic cardiomyopathy. Last evaluated: 2025-01-22. Review status: criteria provided, single submitter. Criteria: Invitae Variant Classification Sherloc (09022015). Collection method: clinical testing. Allele origin: germline.
Comment: This sequence change replaces glutamic acid, which is acidic and polar, with lysine, which is basic and polar, at codon 441 of the MYBPC3 protein (p.Glu441Lys). This variant is present in population databases (rs193922377, gnomAD 0.04%), and has an allele count higher than expected for a pathogenic variant. This missense change has been observed in individual(s) with hypertrophic or dilated cardiomyopathy (PMID: 18533079, 20414521, 20624503, 21835320, 22765922, 23233322, 24093860, 26090888, 28420666, 30645170, 30731207, 30871747). ClinVar contains an entry for this variant (Variation ID: 36601). An algorithm developed to predict the effect of missense changes on protein structure and function (PolyPhen-2) suggests that this variant is likely to be disruptive. Experimental studies have shown that this missense change affects MYBPC3 function (PMID: 30446606). In summary, the available evidence is currently insufficient to determine the role of this variant in disease. Therefore, it has been classified as a Variant of Uncertain Significance.

Blueprint Genetics
Classification: Likely benign. Last evaluated: 2024-11-27. Review status: criteria provided, single submitter. Criteria: ACMG Guidelines, 2015. Collection method: clinical testing. Allele origin: germline.

CeGaT Center for Human Genetics Tuebingen
Classification: Likely benign. Last evaluated: 2024-10-01. Review status: criteria provided, single submitter. Criteria: CeGaT Center For Human Genetics Tuebingen Variant Classification Criteria Version 2. Collection method: clinical testing. Allele origin: germline. Affected: yes. Observed: 8 variant alleles.
Comment: MYBPC3: BP4

Mayo Clinic Laboratories, Mayo Clinic
Classification: Uncertain significance. Last evaluated: 2024-08-29. Review status: criteria provided, single submitter. Criteria: ACMG Guidelines, 2015. Collection method: clinical testing. Allele origin: germline. Observed: 2 variant alleles.
Comment: BS1, PS3_supporting

All of Us Research Program, National Institutes of Health
Classification: Uncertain significance for Hypertrophic cardiomyopathy. Last evaluated: 2024-08-13. Review status: criteria provided, single submitter. Criteria: ACMG Guidelines, 2015. Collection method: clinical testing. Allele origin: germline. Inheritance: Autosomal dominant inheritance. Observed: 41 variant alleles, 41 heterozygotes.
Comment: This missense variant replaces glutamic acid with lysine at codon 441 of the MYBPC3 protein. Computational prediction tools indicate that this variant has a neutral impact on protein structure and function. To our knowledge, functional studies have not been performed for this variant. This variant has been reported in over 20 individuals affected with hypertrophic cardiomyopathy (PMID: 18533079, 20414521, 20624503, 21835320, 22765922, 23233322, 24093860, 26090888, 28420666, 30645170, 30972196, 32369506), and in individuals affected with dilated cardiomyopathy (PMID: 30871747, 35470680). However, some of these individuals also carried additional pathogenic variants that could explain the observed phenotype (PMID: 18533079, 20624503, 32369506, 37431535). In a study of two families, this variant has been observed in one affected individual but was absent in three other affected individuals (PMID: 30972196). A hypertrophic cardiomyopathy case-control study in Egypt (PMID: 37431535) has reported this variant in 24/514 cases (including 2 homozygotes), 8/400 controls; OR=2.4 (95% CI: 1.0 to 6.2); p-value=0.03. This variant occurs at an appreciable frequency in the general population and has been identified in 41/278096 chromosomes by the Genome Aggregation Database (gnomAD). In summary, this variant has been observed in affected individuals, as well as in the general population. The available evidence is insufficient to determine the role of this variant in disease conclusively. Therefore, this variant is classified as a Variant of Uncertain Significance.

This study involves interpretation of variants in research participants for the purpose of population health screening. Participant phenotype was not available at the time of variant classification. Additional details can be found in publication PMID: 35346344, PMCID: PMC8962531